The following is an entry in ClinVar:

ClinVar aggregate classification (germline): Uncertain significance. Review status: criteria provided, multiple submitters, no conflicts (2 of 4 stars). 2 submissions from 2 submitters: Uncertain significance (2). Last evaluated 2025-02-01.

Allele frequency attached by ClinVar (database versions not stated): TOPMed below 0.00001; gnomAD exomes 0.00001.
gnomAD v4.1: 15 of 1,551,682 alleles (0.00097%); highest among the groups gnomAD compares: Non-Finnish European, 0.0012%; no homozygotes.

Submissions (2):

CeGaT Center for Human Genetics Tuebingen
Classification: Uncertain significance. Last evaluated: 2025-02-01. Review status: criteria provided, single submitter. Criteria: CeGaT Center For Human Genetics Tuebingen Variant Classification Criteria Version 2. Collection method: clinical testing. Allele origin: germline. Affected: yes. Observed: 1 variant allele.
Comment: RIPOR2: PM2, BP4

Labcorp Genetics (formerly Invitae), Labcorp
Classification: Uncertain significance. Last evaluated: 2021-12-03. Review status: criteria provided, single submitter. Criteria: Invitae Variant Classification Sherloc (09022015). Collection method: clinical testing. Allele origin: germline.
Comment: This sequence change replaces valine, which is neutral and non-polar, with alanine, which is neutral and non-polar, at codon 684 of the FAM65B protein (p.Val684Ala). This variant is present in population databases (no rsID available, gnomAD 0.002%). This variant has not been reported in the literature in individuals affected with FAM65B-related conditions. Algorithms developed to predict the effect of missense changes on protein structure and function are either unavailable or do not agree on the potential impact of this missense change (SIFT: "Deleterious"; PolyPhen-2: "Benign"; Align-GVGD: "Class C0"). In summary, the available evidence is currently insufficient to determine the role of this variant in disease. Therefore, it has been classified as a Variant of Uncertain Significance.

NM_001286445.3(RIPOR2):c.1988T>C (p.Val663Ala)

Gene: RIPOR2 (RHO family interacting cell polarization regulator 2; minus strand). Cytogenetic location: 6p22.3.
Variant type: single nucleotide variant.
Coding change: c.1988T>C on transcript NM_001286445.3 (MANE Select); coding-DNA position 1988, T replaced by C.
Protein change: p.Val663Ala; replaces valine 663 with alanine.
Molecular consequence: missense variant.
Genome position (GRCh38, 1-based): chr6:24,839,142, A>G on the plus strand (T>C on the coding strand, the complement: RIPOR2 is on the minus strand). VCF-style: chr6-24839142-A-G. GRCh37 (hg19) VCF-style: chr6-24839370-A-G.
Other names: c.1901T>C, p.Val634Ala (NM_001346031.2, NM_001346032.2); c.2051T>C, p.Val684Ala (NM_014722.5); short protein forms V634A, V663A, V684A.
Identifiers: ClinVar variation 1680497 (VCV001680497.19), dbSNP rs1182271801, ClinGen allele CA362992885.